The following is an entry in ClinVar:

NM_004655.4(AXIN2):c.1357C>T (p.Gln453Ter)

Gene: AXIN2 (axin 2; minus strand). Cytogenetic location: 17q24.1.
Variant type: single nucleotide variant.
Coding change: c.1357C>T on transcript NM_004655.4 (MANE Select); coding-DNA position 1357, C replaced by T.
Protein change: p.Gln453Ter; replaces glutamine 453 with a stop codon.
Molecular consequence: nonsense.
Genome position (GRCh38, 1-based): chr17:65,537,679, G>A on the plus strand (C>T on the coding strand, the complement: AXIN2 is on the minus strand). VCF-style: chr17-65537679-G-A. GRCh37 (hg19) VCF-style: chr17-63533797-G-A.
Other names: c.1357C>T, p.Gln453Ter (NM_001363813.1); short protein forms Q453*.
Identifiers: ClinVar variation 2108107 (VCV002108107.4), dbSNP rs2509416268, ClinGen allele CA400677657.
Genomic context (GRCh38, chr17:65,537,679, plus strand): 5'-GGTGGTGGTGGTGGTCCGGGGAGCGGGAGCGGGGGCTATAGCGGCCTACGCCTGGAGACT[G>A]GCAGCCAGGGGTCTTGAGGACCCTGGACAGGTGATCGTCCAGTATCGTCTGCGGGTCTTC-3'

ClinVar aggregate classification (germline): Pathogenic (1 of 4 stars; one submission).

Conditions:
Oligodontia-cancer predisposition syndrome. Also called: TOOTH AGENESIS-COLORECTAL CANCER SYNDROME. Identifiers: Orphanet 300576, MedGen C1837750, MONDO:0012075, OMIM 608615. Disease mechanism: loss of function.

Submission:

Labcorp Genetics (formerly Invitae), Labcorp
Classification: Pathogenic for Oligodontia-cancer predisposition syndrome. Last evaluated: 2022-03-09. Review status: criteria provided, single submitter. Criteria: Invitae Variant Classification Sherloc (09022015). Collection method: clinical testing. Allele origin: germline.
Comment: This sequence change creates a premature translational stop signal (p.Gln453*) in the AXIN2 gene. It is expected to result in an absent or disrupted protein product. Loss-of-function variants in AXIN2 are known to be pathogenic (PMID: 15042511, 21416598). This variant is not present in population databases (gnomAD no frequency). This variant has not been reported in the literature in individuals affected with AXIN2-related conditions. For these reasons, this variant has been classified as Pathogenic.

Literature cited by the submitters: PubMed 15042511; PubMed 21416598.